The following is an entry in ClinVar:

NM_020376.4(PNPLA2):c.856_877del (p.Asp286fs)

Gene: PNPLA2 (patatin like domain 2, triacylglycerol lipase; plus strand). Cytogenetic location: 11p15.5.
Variant type: Deletion.
Coding change: c.856_877del on transcript NM_020376.4 (MANE Select); coding-DNA positions 856 to 877, 22 bases deleted (GATTACTCGCAGCTGCCCGGAG).
Protein change: p.Asp286fs; shifts the reading frame from aspartic acid 286.
Molecular consequence: frameshift variant.
Genome position (GRCh38, 1-based): chr11:823,792-823,813, GATTACTCGCAGCTGCCCGGAG deleted; deleting any 22 consecutive bases within chr11:823,787-823,813 gives the same sequence; the c. name uses the placement nearest the transcript's 3' end. VCF-style (leftmost placement, unchanged base first): chr11-823786-GCGGAGGATTACTCGCAGCTGCC-G. GRCh37 (hg19) VCF-style: chr11-823786-GCGGAGGATTACTCGCAGCTGCC-G.
Other names: short protein forms D286fs.
Identifiers: ClinVar variation 1456930 (VCV001456930.6), dbSNP rs2133849618, ClinGen allele CA2573147210.

ClinVar aggregate classification (germline): Pathogenic (1 of 4 stars; one submission).

Conditions:
Neutral lipid storage myopathy (NLSDM). Also called: NEUTRAL LIPID STORAGE DISEASE WITHOUT ICHTHYOSIS. Identifiers: Orphanet 98908, MedGen C1853136, MONDO:0012545, OMIM 610717.

Submission:

Labcorp Genetics (formerly Invitae), Labcorp
Classification: Pathogenic for Neutral lipid storage myopathy. Last evaluated: 2022-02-10. Review status: criteria provided, single submitter. Criteria: Invitae Variant Classification Sherloc (09022015). Collection method: clinical testing. Allele origin: germline.
Comment: For these reasons, this variant has been classified as Pathogenic. This variant has not been reported in the literature in individuals affected with PNPLA2-related conditions. This variant is not present in population databases (gnomAD no frequency). This sequence change creates a premature translational stop signal (p.Asp286Lysfs*27) in the PNPLA2 gene. It is expected to result in an absent or disrupted protein product. Loss-of-function variants in PNPLA2 are known to be pathogenic (PMID: 17187067).

Literature cited by the submitters: PubMed 17187067.